The following is an entry in ClinVar:

NM_004239.4(TRIP11):c.1228G>T (p.Asp410Tyr)

Gene: TRIP11 (thyroid hormone receptor interactor 11; minus strand). Cytogenetic location: 14q32.12.
Variant type: single nucleotide variant.
Coding change: c.1228G>T on transcript NM_004239.4 (MANE Select); coding-DNA position 1228, G replaced by T.
Protein change: p.Asp410Tyr; replaces aspartic acid 410 with tyrosine.
Molecular consequence: missense variant.
Genome position (GRCh38, 1-based): chr14:92,011,072, C>A on the plus strand (G>T on the coding strand, the complement: TRIP11 is on the minus strand). VCF-style: chr14-92011072-C-A. GRCh37 (hg19) VCF-style: chr14-92477416-C-A.
Other names: c.1225G>T, p.Asp409Tyr (NM_001321851.1); short protein forms D410Y, D409Y.
Identifiers: ClinVar variation 619110 (VCV000619110.3), dbSNP rs1566863801, ClinGen allele CA390663045.

ClinVar aggregate classification (germline): Likely pathogenic. Review status: criteria provided, single submitter (1 of 4 stars). 2 submissions from 2 submitters: Likely pathogenic (1). 1 of the submissions does not count toward it. Last evaluated 2019-06-27.

Conditions:
Odontochondrodysplasia 1. Identifiers: Orphanet 166272, MedGen C5542277, MONDO:0100325, OMIM 184260.

Submissions (2):

SIB Swiss Institute of Bioinformatics
Classification: Likely pathogenic for Odontochondrodysplasia 1. Last evaluated: 2019-06-27. Review status: criteria provided, single submitter. Criteria: ACMG Guidelines, 2015. Collection method: curation. Allele origin: unknown.
Comment: This variant is interpreted as a Likely pathogenic for Odontochondrodysplasia, autosomal recessive. The following ACMG Tag(s) were applied: PM2, PP3, PM4, PM3-Strong.

OMIM
Classification: Pathogenic for ODONTOCHONDRODYSPLASIA 1. Last evaluated: 2021-04-12. Review status: no assertion criteria provided. Collection method: literature only. Allele origin: germline. Not counted in ClinVar's aggregate classification.

Literature cited by the submitters: PubMed 30728324 (cited by SIB Swiss Institute of Bioinformatics and OMIM).